The following is an entry in ClinVar:

NC_012920.1(MT-ND5):m.13651A>G

Gene: MT-ND5 (mitochondrially encoded NADH dehydrogenase 5; plus strand).
Variant type: single nucleotide variant.
Genome position: chrM-13651-A-G.
Identifiers: ClinVar variation 693586 (VCV000693586.2), dbSNP rs1569484594, ClinGen allele CA414818915.

ClinVar aggregate classification (germline): Benign. Review status: criteria provided, multiple submitters, no conflicts (2 of 4 stars). 2 submissions from 2 submitters: Benign (2). Last evaluated 2025-02-16.

Conditions:
Leigh syndrome (NULS). Also called: Leigh's necrotizing encephalopathy; Leigh's disease; Leigh's syndrome; LEIGH SYNDROME, NUCLEAR; Leigh Syndrome (mtDNA deletion); Leigh Disease. Identifiers: Orphanet 506, MedGen C2931891, MONDO:0009723, OMIM 256000.

Submissions (2):

Laboratory of Genetics, Children's Clinical University Hospital Latvia
Classification: Benign. Last evaluated: 2025-02-16. Review status: criteria provided, single submitter. Criteria: ACMG Guidelines, 2015. Collection method: clinical testing. Allele origin: germline. Affected: yes.

Wong Mito Lab, Molecular and Human Genetics, Baylor College of Medicine
Classification: Benign for Leigh syndrome. Last evaluated: 2019-10-17. Review status: criteria provided, single submitter. Criteria: Modified ACMG Guidelines (Unpublished). Collection method: clinical testing. Allele origin: germline.
Comment: The NC_012920.1:m.13651A>G (YP_003024036.1:p.Thr439Ala) variant in MTND5 gene is interpretated to be a Benign variant based on the modified ACMG guidelines (unpublished). This variant meets the following evidence codes: BA1